The following is an entry in ClinVar:

ClinVar aggregate classification (germline): Likely benign. Review status: criteria provided, multiple submitters, no conflicts (2 of 4 stars). 2 submissions from 2 submitters: Likely benign (2). Last evaluated 2026-01-07.

Conditions:
Tuberous sclerosis 2 (TSC2). Identifiers: Orphanet 805, MedGen C1860707, MONDO:0013199, OMIM 613254.

gnomAD v4.1: 3 of 1,612,570 alleles (0.00019%); highest among the groups gnomAD compares: Non-Finnish European, 0.00017%; no homozygotes.

Submissions (2):

Labcorp Genetics (formerly Invitae), Labcorp
Classification: Likely benign for Tuberous sclerosis 2. Last evaluated: 2026-01-07. Review status: criteria provided, single submitter. Criteria: Invitae Variant Classification Sherloc (09022015). Collection method: clinical testing. Allele origin: germline.

Myriad Genetics, Inc.
Classification: Likely benign for Tuberous sclerosis 2. Last evaluated: 2025-05-30. Review status: criteria provided, single submitter. Criteria: Myriad Autosomal Dominant, Autosomal Recessive and X-Linked Classification Criteria (2023). Collection method: clinical testing. Allele origin: unknown.
Comment: This variant is considered likely benign. This variant is intronic and is not expected to impact mRNA splicing.

NM_000548.5(TSC2):c.3815-5T>C

Gene: TSC2 (TSC complex subunit 2; plus strand). Cytogenetic location: 16p13.3.
Variant type: single nucleotide variant.
Coding change: c.3815-5T>C on transcript NM_000548.5 (MANE Select); 5 bases into the intron before coding-DNA position 3815, T replaced by C.
Molecular consequence: intron variant.
Genome position (GRCh38, 1-based): chr16:2,082,431, T>C. VCF-style: chr16-2082431-T-C. GRCh37 (hg19) VCF-style: chr16-2132432-T-C.
Other names: c.2341+633T>C (NM_001406693.1, NM_001406692.1, NM_001406694.1); c.3775+633T>C (NM_001406667.1); c.3772+633T>C (NM_001406668.1); c.3215-5T>C (NM_001406680.1); c.3214+633T>C (NM_001406683.1, NM_001406682.1); c.3082+633T>C (NM_001406687.1, NM_001406688.1); c.2470+633T>C (NM_001406689.1); c.2342-5T>C (NM_001406690.1); and 25 more.
Identifiers: ClinVar variation 3684856 (VCV003684856.3).